The following is an entry in ClinVar:

ClinVar aggregate classification (germline): Uncertain significance (1 of 4 stars; one submission).

Submission:

Labcorp Genetics (formerly Invitae), Labcorp
Classification: Uncertain significance. Last evaluated: 2026-01-19. Review status: criteria provided, single submitter. Criteria: Invitae Variant Classification Sherloc (09022015). Collection method: clinical testing. Allele origin: germline.
Comment: This variant, c.4688_4690del, results in the deletion of 1 amino acid(s) of the TOP2B protein (p.Thr1563del), but otherwise preserves the integrity of the reading frame. This variant is present in population databases (rs764637982, gnomAD 0.02%). This variant has not been reported in the literature in individuals affected with TOP2B-related conditions. Experimental studies and prediction algorithms are not available or were not evaluated, and the functional significance of this variant is currently unknown. In summary, the available evidence is currently insufficient to determine the role of this variant in disease. Therefore, it has been classified as a Variant of Uncertain Significance.

NM_001330700.2(TOP2B):c.4700CAA[1] (p.Thr1568del)

Gene: TOP2B (DNA topoisomerase II beta; minus strand). Cytogenetic location: 3p24.2.
Variant type: Microsatellite.
Coding change: c.4700CAA[1] on transcript NM_001330700.2 (MANE Select); one copy of the 3-base unit CAA starting at c.4700; the reference has two copies in a row; one copy, 3 bases deleted.
Protein change: p.Thr1568del; deletes threonine 1568.
Molecular consequence: inframe deletion.
Genome position (GRCh38, 1-based): chr3:25,599,440-25,599,442, TTG deleted on the plus strand (CAA on the coding strand, the reverse complement: TOP2B is on the minus strand); deleting any 3 consecutive bases within chr3:25,599,440-25,599,447 gives the same sequence; the position shown is the placement nearest the transcript's 3' end. VCF-style (leftmost placement, unchanged base first): chr3-25599439-CTTG-C. GRCh37 (hg19) VCF-style: chr3-25640930-CTTG-C.
Other names: c.4685CAA[1], p.Thr1563del (NM_001068.3); short protein forms T1568del, T1563del.
Identifiers: ClinVar variation 1428488 (VCV001428488.6), dbSNP rs764637982, ClinGen allele CA2288017.